The following is an entry in ClinVar:

ClinVar aggregate classification (germline): Benign (1 of 4 stars; one submission).

Allele frequency attached by ClinVar (database versions not stated): 1000 Genomes Project 30x 0.10696; TOPMed 0.13063; gnomAD 0.14030; gnomAD exomes 0.19116.
gnomAD v4.1: 296,743 of 1,595,290 alleles (19%); highest among the groups gnomAD compares: Non-Finnish European, 20%; 29,510 homozygotes.

Submission:

Unidad de Genómica Garrahan, Hospital de Pediatría Garrahan
Classification: Benign. Last evaluated: 2024-01-24. Review status: criteria provided, single submitter. Criteria: ACMG Guidelines, 2015. Collection method: clinical testing. Allele origin: germline. Affected: no. Observed: 19 variant alleles.
Comment: This variant is classified as Benign based on local population frequency. This variant was detected in 20% of patients studied by a panel of primary immunodeficiencies. Number of patients: 19. Only high quality variants are reported.

NM_004946.3(DOCK2):c.1383+64G>A

Gene: DOCK2 (dedicator of cytokinesis 2; plus strand). Cytogenetic location: 5q35.1.
Variant type: single nucleotide variant.
Coding change: c.1383+64G>A on transcript NM_004946.3 (MANE Select); 64 bases into the intron after coding-DNA position 1383, G replaced by A.
Molecular consequence: intron variant.
Genome position (GRCh38, 1-based): chr5:169,702,491, G>A. VCF-style: chr5-169702491-G-A. GRCh37 (hg19) VCF-style: chr5-169129495-G-A.
Identifiers: ClinVar variation 2687928 (VCV002687928.2), dbSNP rs3816764, ClinGen allele CA11988779.